The following is an entry in ClinVar:

NM_005732.4(RAD50):c.319A>G (p.Lys107Glu)

Gene: RAD50 (RAD50 double strand break repair protein; plus strand). Cytogenetic location: 5q31.1.
Variant type: single nucleotide variant.
Coding change: c.319A>G on transcript NM_005732.4 (MANE Select); coding-DNA position 319, A replaced by G.
Protein change: p.Lys107Glu; replaces lysine 107 with glutamic acid.
Molecular consequence: missense variant.
Genome position (GRCh38, 1-based): chr5:132,575,882, A>G. VCF-style: chr5-132575882-A-G. GRCh37 (hg19) VCF-style: chr5-131911574-A-G.
Other names: short protein forms K107E.
Identifiers: ClinVar variation 5027730 (VCV005027730.1).

ClinVar aggregate classification (germline): Uncertain significance (1 of 4 stars; one submission).

Conditions:
Hereditary cancer-predisposing syndrome. Also called: Neoplastic Syndromes, Hereditary; Tumor predisposition; Hereditary neoplastic syndrome; Hereditary Cancer Syndrome. Identifiers: Orphanet 140162, MedGen C0027672, MeSH D009386, MONDO:0015356.

Submission:

Ambry Genetics
Classification: Uncertain significance for Hereditary cancer-predisposing syndrome. Last evaluated: 2026-08-14. Review status: criteria provided, single submitter. Criteria: Ambry Variant Classification Scheme 2023. Collection method: clinical testing. Allele origin: germline.
Comment: The p.K107E variant (also known as c.319A>G), located in coding exon 3 of the RAD50 gene, results from an A to G substitution at nucleotide position 319. The lysine at codon 107 is replaced by glutamic acid, an amino acid with similar properties. This amino acid position is conserved. In addition, the in silico prediction for this alteration is inconclusive. Based on the available evidence, the clinical significance of this variant remains unclear.